The following is an entry in ClinVar:

ClinVar aggregate classification (germline): Uncertain significance (1 of 4 stars; one submission).

Conditions:
Progressive myoclonic epilepsy type 5. Identifiers: Orphanet 402082, MedGen C5190799.

Submission:

Labcorp Genetics (formerly Invitae), Labcorp
Classification: Uncertain significance for Progressive myoclonic epilepsy type 5. Last evaluated: 2022-06-14. Review status: criteria provided, single submitter. Criteria: Invitae Variant Classification Sherloc (09022015). Collection method: clinical testing. Allele origin: germline.
Comment: Algorithms developed to predict the effect of missense changes on protein structure and function are either unavailable or do not agree on the potential impact of this missense change (SIFT: "Deleterious"; PolyPhen-2: "Benign"; Align-GVGD: "Class C55"). In summary, the available evidence is currently insufficient to determine the role of this variant in disease. Therefore, it has been classified as a Variant of Uncertain Significance. This variant has not been reported in the literature in individuals affected with PRICKLE2-related conditions. This sequence change replaces lysine, which is basic and polar, with glutamic acid, which is acidic and polar, at codon 444 of the PRICKLE2 protein (p.Lys444Glu). This variant is not present in population databases (gnomAD no frequency).

NM_198859.4(PRICKLE2):c.1330A>G (p.Lys444Glu)

Gene: PRICKLE2 (prickle planar cell polarity protein 2; minus strand). Cytogenetic location: 3p14.1.
Variant type: single nucleotide variant.
Coding change: c.1330A>G on transcript NM_198859.4 (MANE Select); coding-DNA position 1330, A replaced by G.
Protein change: p.Lys444Glu; replaces lysine 444 with glutamic acid.
Molecular consequence: missense variant.
Genome position (GRCh38, 1-based): chr3:64,147,160, T>C on the plus strand (A>G on the coding strand, the complement: PRICKLE2 is on the minus strand). VCF-style: chr3-64147160-T-C. GRCh37 (hg19) VCF-style: chr3-64132836-T-C.
Other names: c.1330A>G, p.Lys444Glu (NM_001370528.1); short protein forms K444E.
Identifiers: ClinVar variation 2006207 (VCV002006207.4), dbSNP rs2471158664, ClinGen allele CA353430038.